The following is an entry in ClinVar:

NM_201596.3(CACNB2):c.1468A>G (p.Thr490Ala)

Gene: CACNB2 (calcium voltage-gated channel auxiliary subunit beta 2; plus strand). Cytogenetic location: 10p12.31.
Variant type: single nucleotide variant.
Coding change: c.1468A>G on transcript NM_201596.3 (MANE Select); coding-DNA position 1468, A replaced by G.
Protein change: p.Thr490Ala; replaces threonine 490 with alanine.
Molecular consequence: missense variant.
Genome position (GRCh38, 1-based): chr10:18,538,345, A>G. VCF-style: chr10-18538345-A-G. GRCh37 (hg19) VCF-style: chr10-18827274-A-G.
Other names: c.1303A>G, p.Thr435Ala (NM_000724.4); c.1270A>G, p.Thr424Ala (NM_001167945.2); c.1189A>G, p.Thr397Ala (NM_001330060.2); c.1210A>G, p.Thr404Ala (NM_001410882.1); c.1324A>G, p.Thr442Ala (NM_201570.3); c.1384A>G, p.Thr462Ala (NM_201571.4); c.1312A>G, p.Thr438Ala (NM_201572.4); c.1306A>G, p.Thr436Ala (NM_201590.3); and 2 more; short protein forms T397A, T404A, T424A, T435A, T436A, T438A, T442A, T452A.
Identifiers: ClinVar variation 2415928 (VCV002415928.6), dbSNP rs575188082, ClinGen allele CA376070622.

ClinVar aggregate classification (germline): Uncertain significance (1 of 4 stars; one submission).

Conditions:
Brugada syndrome 4 (BRGDA4). Identifiers: Orphanet 130, MedGen C2678477, MONDO:0012743, OMIM 611876.

Allele frequency attached by ClinVar (database versions not stated): gnomAD exomes below 0.00001.
gnomAD v4.1: 1 of 1,612,640 alleles (0.000062%); highest among the groups gnomAD compares: Admixed American, 0.0017%; no homozygotes.

Submission:

Labcorp Genetics (formerly Invitae), Labcorp
Classification: Uncertain significance for Brugada syndrome 4. Last evaluated: 2022-08-12. Review status: criteria provided, single submitter. Criteria: Invitae Variant Classification Sherloc (09022015). Collection method: clinical testing. Allele origin: germline.
Comment: In summary, the available evidence is currently insufficient to determine the role of this variant in disease. Therefore, it has been classified as a Variant of Uncertain Significance. Algorithms developed to predict the effect of missense changes on protein structure and function output the following: SIFT: "Tolerated"; PolyPhen-2: "Benign"; Align-GVGD: "Class C0". The alanine amino acid residue is found in multiple mammalian species, which suggests that this missense change does not adversely affect protein function. This variant has not been reported in the literature in individuals affected with CACNB2-related conditions. This variant is present in population databases (no rsID available, gnomAD 0.003%). This sequence change replaces threonine, which is neutral and polar, with alanine, which is neutral and non-polar, at codon 436 of the CACNB2 protein (p.Thr436Ala).